The following is an entry in ClinVar:

NM_002291.3(LAMB1):c.414G>A (p.Met138Ile)

Gene: LAMB1 (laminin subunit beta 1; minus strand). Cytogenetic location: 7q31.1.
Variant type: single nucleotide variant.
Coding change: c.414G>A on transcript NM_002291.3 (MANE Select); coding-DNA position 414, G replaced by A.
Protein change: p.Met138Ile; replaces methionine 138 with isoleucine.
Molecular consequence: missense variant.
Genome position (GRCh38, 1-based): chr7:107,994,896, C>T on the plus strand (G>A on the coding strand, the complement: LAMB1 is on the minus strand). VCF-style: chr7-107994896-C-T. GRCh37 (hg19) VCF-style: chr7-107635341-C-T.
Other names: short protein forms M138I.
Identifiers: ClinVar variation 1315382 (VCV001315382.2), dbSNP rs778474120, ClinGen allele CA4436307.

ClinVar aggregate classification (germline): Uncertain significance (1 of 4 stars; one submission).

Allele frequency attached by ClinVar (database versions not stated): gnomAD exomes below 0.00001; TOPMed below 0.00001; ExAC 0.00001; gnomAD 0.00001.

Submission:

GeneDx
Classification: Uncertain significance. Last evaluated: 2020-02-12. Review status: criteria provided, single submitter. Criteria: GeneDx Variant Classification Process June 2021. Collection method: clinical testing. Allele origin: germline. Affected: yes.
Comment: Not observed at a significant frequency in large population cohorts (Lek et al., 2016); In silico analysis supports that this missense variant has a deleterious effect on protein structure/function; Has not been previously published as pathogenic or benign to our knowledge